The following is an entry in ClinVar:

ClinVar aggregate classification (germline): Uncertain significance (1 of 4 stars; one submission).

Submission:

GeneDx
Classification: Uncertain significance. Last evaluated: 2026-06-04. Review status: criteria provided, single submitter. Criteria: GeneDx Variant Classification Process June 2021. Collection method: clinical testing. Allele origin: germline.
Comment: Not observed at significant frequency in large population cohorts (gnomAD); In silico analysis supports that this missense variant has a deleterious effect on protein structure/function; Has not been previously published as pathogenic or benign to our knowledge

NM_006662.3(SRCAP):c.5992T>G (p.Trp1998Gly)

Gene: SRCAP (Snf2 related CREBBP activator protein; plus strand). Cytogenetic location: 16p11.2.
Variant type: single nucleotide variant.
Coding change: c.5992T>G on transcript NM_006662.3 (MANE Select); coding-DNA position 5992, T replaced by G.
Protein change: p.Trp1998Gly; replaces tryptophan 1998 with glycine.
Molecular consequence: missense variant.
Genome position (GRCh38, 1-based): chr16:30,729,437, T>G. VCF-style: chr16-30729437-T-G. GRCh37 (hg19) VCF-style: chr16-30740758-T-G.
Other names: short protein forms W1998G.
Identifiers: ClinVar variation 4686533 (VCV004686533.2).